The following is an entry in ClinVar:

NM_004004.6(GJB2):c.-6T>A

Gene: GJB2 (gap junction protein beta 2; minus strand). Cytogenetic location: 13q12.11.
Variant type: single nucleotide variant.
Coding change: c.-6T>A on transcript NM_004004.6 (MANE Select); 6 bases upstream of the start codon, T replaced by A.
Molecular consequence: 5 prime UTR variant.
Genome position (GRCh38, 1-based): chr13:20,189,587, A>T on the plus strand (T>A on the coding strand, the complement: GJB2 is on the minus strand). VCF-style: chr13-20189587-A-T. GRCh37 (hg19) VCF-style: chr13-20763726-A-T.
Identifiers: ClinVar variation 44721 (VCV000044721.29), dbSNP rs148136545, ClinGen allele CA134946.
Genomic context (GRCh38, chr13:20,189,587, plus strand): 5'-TGGTGGAGTGTTTGTTCACACCCCCCAGGATCGTCTGCAGCGTGCCCCAATCCATCTTCT[A>T]CTCTGGGCGGTTTGCTCTGGAAAAGACGAATGCACACAACACAGGAATCACTAGCTAGGA-3'

ClinVar aggregate classification (germline): Conflicting classifications of pathogenicity. Review status: criteria provided, conflicting classifications (1 of 4 stars). 13 submissions from 11 submitters: Uncertain significance (1); Benign (7); Likely benign (2). 3 of the submissions do not count toward it. Last evaluated 2025-05-14.

Conditions:
GJB2-related disorder. Also called: GJB2-related condition; GJB2-related disorders. Identifiers: MedGen CN382183, MONDO:1060236.
Autosomal dominant nonsyndromic hearing loss 3A. Identifiers: Orphanet 90635, MedGen C2675750, MONDO:0011103, OMIM 601544.
Ichthyosis, hystrix-like, with hearing loss. Also called: Hystrix-like ichthyosis with deafness. Identifiers: Orphanet 477, MedGen C1865234, MONDO:0011245.
Autosomal recessive nonsyndromic hearing loss 1A (DFNB1A). Also called: Connexin 26 deafness; Deafness nonsyndromic, Connexin 26 linked; GJB6-Related DFNB 1 Nonsyndromic Hearing Loss and Deafness; Deafness, autosomal recessive 1A; Nonsyndromic Hearing Loss and Deafness, DFNB1; GJB2-Related Autosomal Recessive Nonsyndromic Hearing Loss. Identifiers: Orphanet 90636, MedGen C2673759, MONDO:0009076, OMIM 220290.
nonsyndromic sensorineural hearing loss. Identifiers: MedGen C1842137, MeSH C537845.

Allele frequency attached by ClinVar (database versions not stated): 1000 Genomes Project 0.00319; ESP Exome Variant Server 0.00461; gnomAD exomes 0.00086 and 0.00032; ExAC 0.00111; gnomAD 0.00355 and 0.00320; TOPMed 0.00394; 1000 Genomes Project 30x 0.00297.

Submissions (13):

Athena Diagnostics
Classification: Likely benign. Last evaluated: 2025-05-14. Review status: criteria provided, single submitter. Criteria: Athena Diagnostics Criteria. Collection method: clinical testing. Allele origin: unknown.
Comment: The frequency of this variant in the general population is higher than would generally be expected for pathogenic variants in this gene. This nucleotide position exhibits low evolutionary conservation.

Blueprint Genetics
Classification: Likely benign. Last evaluated: 2024-08-06. Review status: criteria provided, single submitter. Criteria: ACMG Guidelines, 2015. Collection method: clinical testing. Allele origin: germline.

GeneDx
Classification: Benign. Last evaluated: 2020-02-25. Review status: criteria provided, single submitter. Criteria: GeneDx Variant Classification Process June 2021. Collection method: clinical testing. Allele origin: germline. Affected: yes.
Comment: This variant is associated with the following publications: (PMID: 28642064, 12925341, 17666888, 24706568, 25162826, 27501294, 14722929, 17041943, 19929407, 20381175)

Women's Health and Genetics/Laboratory Corporation of America, LabCorp
Classification: Benign. Last evaluated: 2019-01-08. Review status: criteria provided, single submitter. Criteria: LabCorp Variant Classification Summary - May 2015. Collection method: clinical testing. Allele origin: germline.
Comment: Variant summary: GJB2 c.-6T>A is located in the untranslated mRNA region upstream of the initiation codon. The variant allele was found at a frequency of 0.0012 in 275934 control chromosomes, predominantly at a frequency of 0.012 within the African subpopulation in the gnomAD database, including 3 homozygotes. The observed variant frequency within African control individuals in the gnomAD database is approximately 36-fold of the estimated maximal expected allele frequency for a pathogenic variant in GJB2 causing Non-Syndromic Hearing Loss phenotype (0.00034), strongly suggesting that the variant is a benign polymorphism found primarily in populations of African origin. The variant, c.-6T>A, has been reported in the literature in individuals affected with Non-Syndromic Hearing Loss, but also in controls (Gasmelseed_2004, Tang_2006, Shan_2010, Bosch_2014) and is considered by multiple authors a non-pathogenic common variant. These report(s) do not provide unequivocal conclusions about association of the variant with Non-Syndromic Hearing Loss. To our knowledge, no experimental evidence demonstrating an impact on protein function has been reported. Two ClinVar submissions from other clinical diagnostic laboratories (evaluation after 2014) cite the variant as benign/likely benign. Based on the evidence outlined above, the variant was classified as benign.

Illumina Laboratory Services, Illumina
Classification: Benign for Autosomal dominant keratitis-ichthyosis-hearing loss syndrome. Last evaluated: 2018-01-13. Review status: criteria provided, single submitter. Criteria: ICSL Variant Classification Criteria 13 December 2019. Collection method: clinical testing. Allele origin: germline.
Comment: This variant was observed in the ICSL laboratory as part of a predisposition screen in an ostensibly healthy population. It had not been previously curated by ICSL or reported in the Human Gene Mutation Database (HGMD: prior to June 1st, 2018), and was therefore a candidate for classification through an automated scoring system. Utilizing variant allele frequency, disease prevalence and penetrance estimates, and inheritance mode, an automated score was calculated to assess if this variant is too frequent to cause the disease. Based on the score and internal cut-off values, a variant classified as benign is not then subjected to further curation. The score for this variant resulted in a classification of benign for this disease.

Illumina Laboratory Services, Illumina
Classification: Uncertain significance for Autosomal recessive nonsyndromic hearing loss 1A. Last evaluated: 2018-01-13. Review status: criteria provided, single submitter. Criteria: ICSL Variant Classification Criteria 13 December 2019. Collection method: clinical testing. Allele origin: germline.

Illumina Laboratory Services, Illumina
Classification: Benign for Autosomal dominant nonsyndromic hearing loss 3A. Last evaluated: 2018-01-13. Review status: criteria provided, single submitter. Criteria: ICSL Variant Classification Criteria 13 December 2019. Collection method: clinical testing. Allele origin: germline.
Comment: the same text as in the submission from Illumina Laboratory Services, Illumina above.

ARUP Laboratories, Molecular Genetics and Genomics, ARUP Laboratories
Classification: Benign. Last evaluated: 2017-08-30. Review status: criteria provided, single submitter. Criteria: ARUP Molecular Germline Variant Investigation Process. Collection method: clinical testing. Allele origin: germline.

Eurofins Ntd Llc (ga)
Classification: Benign. Last evaluated: 2016-05-31. Review status: criteria provided, single submitter. Criteria: EGL Classification Definitions 2015. Collection method: clinical testing. Allele origin: germline. Observed: 6 variant alleles, 6 heterozygotes.

Laboratory for Molecular Medicine, Mass General Brigham Personalized Medicine
Classification: Benign. Last evaluated: 2012-05-15. Review status: criteria provided, single submitter. Criteria: LMM Criteria. Collection method: clinical testing. Allele origin: germline. Observed: 2 variant alleles.
Comment: -6T>A in Exon 02 of GJB2: This variant is not expected to have clinical signific ance because it has been identified in 1.5% (55/3738) of African American chromo somes from a broad population by the NHLBI Exome Sequencing Project (.; dbSNP rs148136545) and has been reported as benign based on an equal occurance in cases and controls (Tang 2006, Al-Qahtani, 2010, Shan 2 010).

Molecular Genetics Laboratory, BC Children's and BC Women's Hospitals
Classification: Benign for nonsyndromic sensorineural hearing loss. Last evaluated: 2021-03-04. Review status: no assertion criteria provided. Criteria: ACMG Guidelines, 2015. Collection method: clinical testing. Allele origin: germline. Affected: yes. Not counted in ClinVar's aggregate classification.

Natera, Inc.
Classification: Likely benign for Autosomal recessive deafness type 1A. Last evaluated: 2019-12-10. Review status: no assertion criteria provided. Collection method: clinical testing. Allele origin: germline. Not counted in ClinVar's aggregate classification.

PreventionGenetics, part of Exact Sciences
Classification: Benign for GJB2-related condition. Last evaluated: 2019-09-23. Review status: no assertion criteria provided. Collection method: clinical testing. Allele origin: germline. Not counted in ClinVar's aggregate classification.
Comment: This variant is classified as benign based on ACMG/AMP sequence variant interpretation guidelines (Richards et al. 2015 PMID: 25741868, with internal and published modifications).

Literature cited by the submitters: PubMed 34837038 (cited by Athena Diagnostics); PubMed 17041943 (cited by 3 submitters); PubMed 14722929 (cited by 3 submitters); PubMed 19929407 (cited by 3 submitters); PubMed 20381175 (cited by 3 submitters); PubMed 24706568 (cited by Athena Diagnostics and Women's Health and Genetics/Laboratory Corporation of America, LabCorp); PubMed 17666888 (cited by Athena Diagnostics and Women's Health and Genetics/Laboratory Corporation of America, LabCorp); PubMed 27501294 (cited by Athena Diagnostics and Women's Health and Genetics/Laboratory Corporation of America, LabCorp); PubMed 25162826 (cited by Athena Diagnostics and Women's Health and Genetics/Laboratory Corporation of America, LabCorp); PubMed 12925341 (cited by Athena Diagnostics and Women's Health and Genetics/Laboratory Corporation of America, LabCorp).